The following is an entry in ClinVar:

ClinVar aggregate classification (germline): Conflicting classifications of pathogenicity. Review status: criteria provided, conflicting classifications (1 of 4 stars). 2 submissions from 2 submitters: Uncertain significance (1); Likely benign (1). Last evaluated 2024-05-29.

Conditions:
Inborn genetic diseases. Identifiers: MedGen C0950123, MeSH D030342.

Allele frequency attached by ClinVar (database versions not stated): gnomAD 0.00001; ExAC 0.00011.
gnomAD v4.1: 49 of 1,583,538 alleles (0.0031%); highest among the groups gnomAD compares: South Asian, 0.04%; 2 homozygotes.

Submissions (2):

Labcorp Genetics (formerly Invitae), Labcorp
Classification: Uncertain significance. Last evaluated: 2024-05-29. Review status: criteria provided, single submitter. Criteria: Invitae Variant Classification Sherloc (09022015). Collection method: clinical testing. Allele origin: germline.
Comment: This sequence change replaces arginine, which is basic and polar, with cysteine, which is neutral and slightly polar, at codon 412 of the AHDC1 protein (p.Arg412Cys). This variant is present in population databases (rs773678949, gnomAD 0.04%), and has an allele count higher than expected for a pathogenic variant. This variant has not been reported in the literature in individuals affected with AHDC1-related conditions. ClinVar contains an entry for this variant (Variation ID: 1958843). An algorithm developed to predict the effect of missense changes on protein structure and function (PolyPhen-2) suggests that this variant is likely to be disruptive. In summary, the available evidence is currently insufficient to determine the role of this variant in disease. Therefore, it has been classified as a Variant of Uncertain Significance.

Ambry Genetics
Classification: Likely benign for Inborn genetic diseases. Last evaluated: 2023-04-07. Review status: criteria provided, single submitter. Criteria: Ambry Variant Classification Scheme 2023. Collection method: clinical testing. Allele origin: germline.

NM_001371928.1(AHDC1):c.1234C>T (p.Arg412Cys)

Gene: AHDC1 (AT-hook DNA binding motif containing 1; minus strand). Cytogenetic location: 1p36.11.
Variant type: single nucleotide variant.
Coding change: c.1234C>T on transcript NM_001371928.1 (MANE Select); coding-DNA position 1234, C replaced by T.
Protein change: p.Arg412Cys; replaces arginine 412 with cysteine.
Molecular consequence: missense variant.
Genome position (GRCh38, 1-based): chr1:27,550,882, G>A on the plus strand (C>T on the coding strand, the complement: AHDC1 is on the minus strand). VCF-style: chr1-27550882-G-A. GRCh37 (hg19) VCF-style: chr1-27877393-G-A.
Other names: c.1234C>T (NM_001029882.2); c.1234C>T, p.Arg412Cys (NM_001029882.3); short protein forms R412C.
Identifiers: ClinVar variation 1958843 (VCV001958843.7), dbSNP rs773678949, ClinGen allele CA715986.
Genomic context (GRCh38, chr1:27,550,882, plus strand): 5'-GTGGTGGGGGTTCGGCCAGGGCAGCCACCAGCCCCGTGGGCATAGGCAGGGGCAGTAGGC[G>A]GCCCTCGGGTCCGGCGTCTGCCTTGCGTCCCCGTCCGGCTTTCCGCCGGCGACACAGGAT-3'
Protein context (NP_001358857.1, residues 402-422): GRKADAGPEG[Arg412Cys]LLPLPMPTGL